The following is an entry in ClinVar:

ClinVar aggregate classification (germline): Uncertain significance (1 of 4 stars; one submission).

Allele frequency attached by ClinVar (database versions not stated): gnomAD exomes 0.00001.
gnomAD v4.1: 5 of 1,613,862 alleles (0.00031%); highest among the groups gnomAD compares: Non-Finnish European, 0.00042%; no homozygotes.

Submission:

Labcorp Genetics (formerly Invitae), Labcorp
Classification: Uncertain significance. Last evaluated: 2022-07-06. Review status: criteria provided, single submitter. Criteria: Invitae Variant Classification Sherloc (09022015). Collection method: clinical testing. Allele origin: germline.
Comment: This sequence change replaces arginine, which is basic and polar, with serine, which is neutral and polar, at codon 455 of the FLAD1 protein (p.Arg455Ser). This variant is not present in population databases (gnomAD no frequency). This variant has not been reported in the literature in individuals affected with FLAD1-related conditions. Algorithms developed to predict the effect of missense changes on protein structure and function are either unavailable or do not agree on the potential impact of this missense change (SIFT: "Tolerated"; PolyPhen-2: "Possibly Damaging"; Align-GVGD: "Class C0"). Algorithms developed to predict the effect of sequence changes on RNA splicing suggest that this variant may disrupt the consensus splice site. In summary, the available evidence is currently insufficient to determine the role of this variant in disease. Therefore, it has been classified as a Variant of Uncertain Significance.

NM_025207.5(FLAD1):c.1365G>T (p.Arg455Ser)

Gene: FLAD1 (flavin adenine dinucleotide synthetase 1; plus strand). Cytogenetic location: 1q21.3.
Variant type: single nucleotide variant.
Coding change: c.1365G>T on transcript NM_025207.5 (MANE Select); coding-DNA position 1365, G replaced by T.
Protein change: p.Arg455Ser; replaces arginine 455 with serine.
Molecular consequence: missense variant.
Genome position (GRCh38, 1-based): chr1:154,990,339, G>T. VCF-style: chr1-154990339-G-T. GRCh37 (hg19) VCF-style: chr1-154962815-G-T.
Other names: c.1074G>T, p.Arg358Ser (NM_001184891.2, NM_201398.3); short protein forms R455S, R358S.
Identifiers: ClinVar variation 1958868 (VCV001958868.2), dbSNP rs1657806525, ClinGen allele CA342751979.